The following is an entry in ClinVar:

ClinVar aggregate classification (germline): Likely benign. Review status: criteria provided, multiple submitters, no conflicts (2 of 4 stars). 4 submissions from 4 submitters: Likely benign (4). Last evaluated 2024-08-29.

Conditions:
Epilepsy, childhood absence, susceptibility to, 5. Identifiers: Orphanet 64280, MedGen C2677087, MONDO:0012843, OMIM 612269.
Epilepsy, childhood absence, susceptibility to, 1. Also called: Epilepsy, childhood absence 1. Identifiers: Orphanet 64280, MedGen C1838604, MONDO:0020759, OMIM 600131.

Allele frequency attached by ClinVar (database versions not stated): 1000 Genomes Project 0.00040; gnomAD 0.00002 and 0.00003; gnomAD exomes 0.00002 and 0.00003; ExAC 0.00003; TOPMed 0.00003; 1000 Genomes Project 30x 0.00031.
gnomAD v4.1: 29 of 1,614,168 alleles (0.0018%); highest among the groups gnomAD compares: Middle Eastern, 0.016%; no homozygotes.

Submissions (4):

Labcorp Genetics (formerly Invitae), Labcorp
Classification: Likely benign for Epilepsy, childhood absence, susceptibility to, 5; Epilepsy, childhood absence, susceptibility to, 1. Last evaluated: 2024-08-29. Review status: criteria provided, single submitter. Criteria: Invitae Variant Classification Sherloc (09022015). Collection method: clinical testing. Allele origin: germline.

Blueprint Genetics
Classification: Likely benign. Last evaluated: 2024-06-19. Review status: criteria provided, single submitter. Criteria: ACMG Guidelines, 2015. Collection method: clinical testing. Allele origin: germline.

CeGaT Center for Human Genetics Tuebingen
Classification: Likely benign. Last evaluated: 2022-11-01. Review status: criteria provided, single submitter. Criteria: CeGaT Center For Human Genetics Tuebingen Variant Classification Criteria Version 2. Collection method: clinical testing. Allele origin: germline. Affected: yes. Observed: 2 variant alleles.
Comment: GABRB3: BP4, BP7

GeneDx
Classification: Likely benign. Last evaluated: 2016-11-28. Review status: criteria provided, single submitter. Criteria: GeneDx Variant Classification (06012015). Collection method: clinical testing. Allele origin: germline. Affected: yes.
Comment: This variant is considered likely benign or benign based on one or more of the following criteria: it is a conservative change, it occurs at a poorly conserved position in the protein, it is predicted to be benign by multiple in silico algorithms, and/or has population frequency not consistent with disease.

NM_000814.6(GABRB3):c.753T>C (p.Tyr251=)

Gene: GABRB3 (gamma-aminobutyric acid type A receptor subunit beta3; minus strand). Cytogenetic location: 15q12.
Variant type: single nucleotide variant.
Coding change: c.753T>C on transcript NM_000814.6 (MANE Select); coding-DNA position 753, T replaced by C.
Protein change: p.Tyr251=; no amino-acid change (tyrosine 251 retained).
Molecular consequence: synonymous variant.
Genome position (GRCh38, 1-based): chr15:26,567,663, A>G on the plus strand (T>C on the coding strand, the complement: GABRB3 is on the minus strand). VCF-style: chr15-26567663-A-G. GRCh37 (hg19) VCF-style: chr15-26812810-A-G.
Other names: c.498T>C, p.Tyr166= (NM_001191320.2, NM_001278631.2); c.540T>C, p.Tyr180= (NM_001191321.3); c.753T>C, p.Tyr251= (NM_021912.5).
Identifiers: ClinVar variation 391322 (VCV000391322.36), dbSNP rs150534186, ClinGen allele CA7437366.
Genomic context (GRCh38, chr15:26,567,663, plus strand): 5'-TGCATCATAATTGATCCAGAAGGACACCCACGACAGAATCGTTATCAGTATAGAGGGCAT[A>G]TAAGTCTGAAGAATGAAGTATCCAATGTTCCTCTTCAACCGAAAGCTCAGTGACAGTCGA-3'
Protein context (NP_000805.1, residues 241-261): RNIGYFILQT[Tyr251=]MPSILITILS